The following is an entry in ClinVar:

ClinVar aggregate classification (germline): Uncertain significance. Review status: criteria provided, multiple submitters, no conflicts (2 of 4 stars). 2 submissions from 2 submitters: Uncertain significance (2). Last evaluated 2024-10-17.

Conditions:
Inborn genetic diseases. Identifiers: MedGen C0950123, MeSH D030342.

Allele frequency attached by ClinVar (database versions not stated): gnomAD exomes below 0.00001; ExAC 0.00002; TOPMed 0.00004; gnomAD 0.00005; ESP Exome Variant Server 0.00008.
gnomAD v4.1: 13 of 1,612,450 alleles (0.00081%); highest among the groups gnomAD compares: African/African-American, 0.017%; no homozygotes.

Submissions (2):

Labcorp Genetics (formerly Invitae), Labcorp
Classification: Uncertain significance. Last evaluated: 2024-10-17. Review status: criteria provided, single submitter. Criteria: Invitae Variant Classification Sherloc (09022015). Collection method: clinical testing. Allele origin: germline.
Comment: This sequence change replaces glutamic acid, which is acidic and polar, with aspartic acid, which is acidic and polar, at codon 625 of the DSG1 protein (p.Glu625Asp). This variant is present in population databases (rs146270440, gnomAD 0.03%). This variant has not been reported in the literature in individuals affected with DSG1-related conditions. ClinVar contains an entry for this variant (Variation ID: 2536622). An algorithm developed to predict the effect of missense changes on protein structure and function (PolyPhen-2) suggests that this variant is likely to be tolerated. In summary, the available evidence is currently insufficient to determine the role of this variant in disease. Therefore, it has been classified as a Variant of Uncertain Significance.

Ambry Genetics
Classification: Uncertain significance for Inborn genetic diseases. Last evaluated: 2023-04-13. Review status: criteria provided, single submitter. Criteria: Ambry Variant Classification Scheme 2023. Collection method: clinical testing. Allele origin: germline.

NM_001942.4(DSG1):c.1875A>T (p.Glu625Asp)

Genes: DSG1 (desmoglein 1; plus strand), DSG1-AS1 (DSG1 antisense RNA 1; minus strand). Cytogenetic location: 18q12.1.
Variant type: single nucleotide variant.
Coding change: c.1875A>T on transcript NM_001942.4 (MANE Select); coding-DNA position 1875, A replaced by T.
Protein change: p.Glu625Asp; replaces glutamic acid 625 with aspartic acid.
Molecular consequence: missense variant.
Genome position (GRCh38, 1-based): chr18:31,343,979, A>T. VCF-style: chr18-31343979-A-T. GRCh37 (hg19) VCF-style: chr18-28923942-A-T.
Other names: short protein forms E625D.
Identifiers: ClinVar variation 2536622 (VCV002536622.4), dbSNP rs146270440, ClinGen allele CA8926204.